The following is an entry in ClinVar:

NM_020971.3(SPTBN4):c.1267C>T (p.Arg423Trp)

Gene: SPTBN4 (spectrin beta, non-erythrocytic 4; plus strand). Cytogenetic location: 19q13.2.
Variant type: single nucleotide variant.
Coding change: c.1267C>T on transcript NM_020971.3 (MANE Select); coding-DNA position 1267, C replaced by T.
Protein change: p.Arg423Trp; replaces arginine 423 with tryptophan.
Molecular consequence: missense variant.
Genome position (GRCh38, 1-based): chr19:40,502,838, C>T. VCF-style: chr19-40502838-C-T. GRCh37 (hg19) VCF-style: chr19-41008745-C-T.
Other names: short protein forms R423W.
Identifiers: ClinVar variation 2574826 (VCV002574826.9), dbSNP rs1444819723, ClinGen allele CA405903176.

ClinVar aggregate classification (germline): Uncertain significance. Review status: criteria provided, multiple submitters, no conflicts (2 of 4 stars). 2 submissions from 2 submitters: Uncertain significance (2). Last evaluated 2025-07-01.

Allele frequency attached by ClinVar (database versions not stated): gnomAD exomes below 0.00001; gnomAD 0.00001; TOPMed 0.00002.
gnomAD v4.1: 7 of 1,613,710 alleles (0.00043%); highest among the groups gnomAD compares: South Asian, 0.0011%; no homozygotes.

Submissions (2):

CeGaT Center for Human Genetics Tuebingen
Classification: Uncertain significance. Last evaluated: 2025-07-01. Review status: criteria provided, single submitter. Criteria: CeGaT Center For Human Genetics Tuebingen Variant Classification Criteria Version 2. Collection method: clinical testing. Allele origin: germline. Affected: yes. Observed: 1 variant allele.
Comment: SPTBN4: PM2, PP3

GeneDx
Classification: Uncertain significance. Last evaluated: 2023-02-02. Review status: criteria provided, single submitter. Criteria: GeneDx Variant Classification Process June 2021. Collection method: clinical testing. Allele origin: germline. Affected: yes.
Comment: Not observed at significant frequency in large population cohorts (gnomAD); In silico analysis supports that this missense variant has a deleterious effect on protein structure/function; Has not been previously published as pathogenic or benign to our knowledge